The following is an entry in ClinVar:

ClinVar aggregate classification (germline): Uncertain significance. Review status: criteria provided, multiple submitters, no conflicts (2 of 4 stars). 4 submissions from 4 submitters: Uncertain significance (4). Last evaluated 2025-11-03.

Conditions:
Inborn genetic diseases. Identifiers: MedGen C0950123, MeSH D030342.
Mitochondrial complex IV deficiency, nuclear type 4. Also called: Mitochondrial complex 4 deficiency, nuclear type 4. Identifiers: MedGen C5436683, MONDO:0033636, OMIM 619048.

Allele frequency attached by ClinVar (database versions not stated): ExAC 0.00001; gnomAD 0.00001; gnomAD exomes 0.00001 and 0.00002.
gnomAD v4.1: 14 of 1,613,886 alleles (0.00087%); highest among the groups gnomAD compares: East Asian, 0.0089%; no homozygotes.

Submissions (4):

Ambry Genetics
Classification: Uncertain significance for Inborn genetic diseases. Last evaluated: 2025-11-03. Review status: criteria provided, single submitter. Criteria: Ambry Variant Classification Scheme 2023. Collection method: clinical testing. Allele origin: germline.

Fulgent Genetics
Classification: Uncertain significance for Mitochondrial complex IV deficiency, nuclear type 4. Last evaluated: 2024-01-15. Review status: criteria provided, single submitter. Criteria: ACMG Guidelines, 2015. Collection method: clinical testing. Allele origin: germline.

Labcorp Genetics (formerly Invitae), Labcorp
Classification: Uncertain significance. Last evaluated: 2021-12-02. Review status: criteria provided, single submitter. Criteria: Invitae Variant Classification Sherloc (09022015). Collection method: clinical testing. Allele origin: germline.
Comment: In summary, the available evidence is currently insufficient to determine the role of this variant in disease. Therefore, it has been classified as a Variant of Uncertain Significance. Algorithms developed to predict the effect of missense changes on protein structure and function (SIFT, PolyPhen-2, Align-GVGD) all suggest that this variant is likely to be tolerated. This variant has not been reported in the literature in individuals affected with SCO1-related conditions. This variant is present in population databases (rs764045986, gnomAD 0.02%). This sequence change replaces aspartic acid, which is acidic and polar, with asparagine, which is neutral and polar, at codon 235 of the SCO1 protein (p.Asp235Asn).

Breakthrough Genomics
Classification: Uncertain significance. Review status: criteria provided, single submitter. Criteria: ACMG Guidelines, 2015. Collection method: not provided. Allele origin: germline. Inheritance: Autosomal recessive inheritance. Affected: yes.

NM_004589.4(SCO1):c.703G>A (p.Asp235Asn)

Gene: SCO1 (synthesis of cytochrome C oxidase 1; minus strand). Cytogenetic location: 17p13.1.
Variant type: single nucleotide variant.
Coding change: c.703G>A on transcript NM_004589.4 (MANE Select); coding-DNA position 703, G replaced by A.
Protein change: p.Asp235Asn; replaces aspartic acid 235 with asparagine.
Molecular consequence: missense variant.
Genome position (GRCh38, 1-based): chr17:10,686,795, C>T on the plus strand (G>A on the coding strand, the complement: SCO1 is on the minus strand). VCF-style: chr17-10686795-C-T. GRCh37 (hg19) VCF-style: chr17-10590112-C-T.
Other names: c.703G>A (NM_004589.2); short protein forms D235N.
Identifiers: ClinVar variation 1348191 (VCV001348191.9), dbSNP rs764045986, ClinGen allele CA8393500.